The following is an entry in ClinVar:

NM_000089.4(COL1A2):c.1277G>C (p.Ser426Thr)

Gene: COL1A2 (collagen type I alpha 2 chain; plus strand). Cytogenetic location: 7q21.3.
Variant type: single nucleotide variant.
Coding change: c.1277G>C on transcript NM_000089.4 (MANE Select); coding-DNA position 1277, G replaced by C.
Protein change: p.Ser426Thr; replaces serine 426 with threonine.
Molecular consequence: missense variant.
Genome position (GRCh38, 1-based): chr7:94,411,081, G>C. VCF-style: chr7-94411081-G-C. GRCh37 (hg19) VCF-style: chr7-94040393-G-C.
Other names: short protein forms S426T.
Identifiers: ClinVar variation 1991855 (VCV001991855.4), dbSNP rs376629202, ClinGen allele CA4346995.

ClinVar aggregate classification (germline): Uncertain significance (1 of 4 stars; one submission).

Conditions:
Ehlers-Danlos syndrome, classic type, 1 (EDSCL1). Also called: EHLERS-DANLOS SYNDROME, GRAVIS TYPE; EHLERS-DANLOS SYNDROME, SEVERE CLASSIC TYPE; Ehlers-Danlos syndrome, type 1; EDS I; Ehlers-Danlos Syndrome, Classic Type, COL5A1-Related. Identifiers: MedGen C0268335, MONDO:0019567, OMIM 130000.
Osteogenesis imperfecta type I (OI1). Also called: OI, TYPE I; OSTEOGENESIS IMPERFECTA TARDA; OSTEOGENESIS IMPERFECTA WITH BLUE SCLERAE; Osteogenesis imperfecta type 1; Lobstein's Disease; Lobstein disease. Identifiers: Orphanet 216796, Orphanet 666, MedGen C0023931, MONDO:0008146, OMIM 166200. Disease mechanism: loss of function.

Allele frequency attached by ClinVar (database versions not stated): TOPMed below 0.00001; ExAC 0.00001.
gnomAD v4.1: 29 of 1,602,960 alleles (0.0018%); highest among the groups gnomAD compares: Non-Finnish European, 0.0025%; no homozygotes.

Submission:

Labcorp Genetics (formerly Invitae), Labcorp
Classification: Uncertain significance for Osteogenesis imperfecta type I; Ehlers-Danlos syndrome, classic type, 1. Last evaluated: 2022-09-29. Review status: criteria provided, single submitter. Criteria: Invitae Variant Classification Sherloc (09022015). Collection method: clinical testing. Allele origin: germline.
Comment: In summary, the available evidence is currently insufficient to determine the role of this variant in disease. Therefore, it has been classified as a Variant of Uncertain Significance. Advanced modeling of protein sequence and biophysical properties (such as structural, functional, and spatial information, amino acid conservation, physicochemical variation, residue mobility, and thermodynamic stability) performed at Invitae indicates that this missense variant is not expected to disrupt COL1A2 protein function. This variant has not been reported in the literature in individuals affected with COL1A2-related conditions. The frequency data for this variant in the population databases is considered unreliable, as metrics indicate poor data quality at this position in the gnomAD database. This sequence change replaces serine, which is neutral and polar, with threonine, which is neutral and polar, at codon 426 of the COL1A2 protein (p.Ser426Thr).